The following is an entry in ClinVar:

NM_000918.4(P4HB):c.23G>A (p.Cys8Tyr)

Genes: P4HB (prolyl 4-hydroxylase subunit beta; minus strand), LOC130061971 (ATAC-STARR-seq lymphoblastoid silent region 9154; plus strand). Cytogenetic location: 17q25.3.
Variant type: single nucleotide variant.
Coding change: c.23G>A on transcript NM_000918.4 (MANE Select); coding-DNA position 23, G replaced by A.
Protein change: p.Cys8Tyr; replaces cysteine 8 with tyrosine.
Molecular consequence: missense variant.
Genome position (GRCh38, 1-based): chr17:81,860,449, C>T on the plus strand (G>A on the coding strand, the complement: P4HB is on the minus strand). VCF-style: chr17-81860449-C-T. GRCh37 (hg19) VCF-style: chr17-79818325-C-T.
Other names: c.23G>A (NM_000918.3); short protein forms C8Y.
Identifiers: ClinVar variation 2418150 (VCV002418150.8), dbSNP rs1480445201, ClinGen allele CA401518706.

ClinVar aggregate classification (germline): Uncertain significance. Review status: criteria provided, multiple submitters, no conflicts (2 of 4 stars). 2 submissions from 2 submitters: Uncertain significance (2). Last evaluated 2025-01-08.

Conditions:
Inborn genetic diseases. Identifiers: MedGen C0950123, MeSH D030342.

Allele frequency attached by ClinVar (database versions not stated): TOPMed 0.00001; gnomAD 0.00003.
gnomAD v4.1: 7 of 1,368,646 alleles (0.00051%); highest among the groups gnomAD compares: African/African-American, 0.0076%; no homozygotes.

Submissions (2):

Ambry Genetics
Classification: Uncertain significance for Inborn genetic diseases. Last evaluated: 2025-01-08. Review status: criteria provided, single submitter. Criteria: Ambry Variant Classification Scheme 2023. Collection method: clinical testing. Allele origin: germline.

Labcorp Genetics (formerly Invitae), Labcorp
Classification: Uncertain significance. Last evaluated: 2022-05-27. Review status: criteria provided, single submitter. Criteria: Invitae Variant Classification Sherloc (09022015). Collection method: clinical testing. Allele origin: germline.
Comment: This variant is present in population databases (no rsID available, gnomAD 0.01%). In summary, the available evidence is currently insufficient to determine the role of this variant in disease. Therefore, it has been classified as a Variant of Uncertain Significance. Algorithms developed to predict the effect of missense changes on protein structure and function are either unavailable or do not agree on the potential impact of this missense change (SIFT: "Tolerated"; PolyPhen-2: "Not Available"; Align-GVGD: "Class C0"). This variant has not been reported in the literature in individuals affected with P4HB-related conditions. This sequence change replaces cysteine, which is neutral and slightly polar, with tyrosine, which is neutral and polar, at codon 8 of the P4HB protein (p.Cys8Tyr).